The following is an entry in ClinVar:

NM_001195553.2(DCX):c.787G>A (p.Asp263Asn)

Gene: DCX (doublecortin; minus strand). Cytogenetic location: Xq23.
Variant type: single nucleotide variant.
Coding change: c.787G>A on transcript NM_001195553.2 (MANE Select); coding-DNA position 787, G replaced by A.
Protein change: p.Asp263Asn; replaces aspartic acid 263 with asparagine.
Molecular consequence: missense variant.
Genome position (GRCh38, 1-based): chrX:111,333,072, C>T on the plus strand (G>A on the coding strand, the complement: DCX is on the minus strand). VCF-style: chrX-111333072-C-T. GRCh37 (hg19) VCF-style: chrX-110576300-C-T.
Other names: c.787G>A, p.Asp263Asn (NM_001369374.1, NM_001410715.1, NM_178151.3 and 6 more transcripts); c.1030G>A, p.Asp344Asn (NM_000555.3); short protein forms D263N, D344N.
Identifiers: ClinVar variation 4292139 (VCV004292139.1).

ClinVar aggregate classification (germline): Uncertain significance (1 of 4 stars; one submission).

Conditions:
Lissencephaly type 1 due to doublecortin gene mutation. Also called: LISSENCEPHALY, X-LINKED, 1; LISSENCEPHALY AND AGENESIS OF CORPUS CALLOSUM. Identifiers: Orphanet 2148, MedGen C4551968, MONDO:0010239, OMIM 300067.

Submission:

3billion
Classification: Uncertain significance for Lissencephaly type 1 due to doublecortin gene mutation. Last evaluated: 2024-06-16. Review status: criteria provided, single submitter. Criteria: ACMG Guidelines, 2015. Collection method: clinical testing. Allele origin: germline. Affected: yes.
Comment: The variant is not observed in the gnomAD v4.0.0 dataset. Predicted Consequence/Location: Missense variant In silico tool predictions suggest damaging effect of the variant on gene or gene product [REVEL: 0.76 (>=0.6, sensitivity 0.68 and specificity 0.92); 3Cnet: 0.67 (>=0.6, sensitivity 0.72 and precision 0.9)]. A different missense change at the same codon (p.Asp263Gly) has been reported to be associated with DCX-related disorder (ClinVar ID: VCV001164037 /PMID: 23365099). However the evidence of pathogenicity is insufficient at this time. Therefore, this variant is classified as VUS according to the recommendation of ACMG/AMP guideline.

Literature cited by the submitters: PubMed 23365099.